The following is an entry in ClinVar:

ClinVar aggregate classification (germline): Pathogenic. Review status: criteria provided, single submitter (1 of 4 stars). 3 submissions from 3 submitters: Pathogenic (1). 2 of the submissions do not count toward it. Last evaluated 2025-10-23.

Conditions:
Hemochromatosis type 4 (HFE4). Also called: HEMOCHROMATOSIS DUE TO DEFECT IN FERROPORTIN; HEMOCHROMATOSIS, AUTOSOMAL DOMINANT; Ferroportin disease. Identifiers: Orphanet 139491, Orphanet 647834, Orphanet 648562, MedGen C1853733, MONDO:0011631, OMIM 606069.

Allele frequency attached by ClinVar (database versions not stated): gnomAD exomes 0.00002 and 0.00004; TOPMed below 0.00001; ExAC 0.00002.
gnomAD v4.1: 26 of 1,613,676 alleles (0.0016%); highest among the groups gnomAD compares: East Asian, 0.022%; no homozygotes.

Submissions (3):

Labcorp Genetics (formerly Invitae), Labcorp
Classification: Pathogenic for Hemochromatosis type 4. Last evaluated: 2025-10-23. Review status: criteria provided, single submitter. Criteria: Invitae Variant Classification Sherloc (09022015). Collection method: clinical testing. Allele origin: germline.
Comment: This sequence change replaces glycine, which is neutral and non-polar, with aspartic acid, which is acidic and polar, at codon 267 of the SLC40A1 protein (p.Gly267Asp). This variant is present in population databases (rs104893664, gnomAD 0.05%). This missense change has been observed in individual(s) with isolated hyperferritinemia (PMID: 16351644). It has also been observed to segregate with disease in related individuals. ClinVar contains an entry for this variant (Variation ID: 5418). An algorithm developed to predict the effect of missense changes on protein structure and function outputs the following: PolyPhen-2: "Benign". The aspartic acid amino acid residue is found in multiple mammalian species, which suggests that this missense change does not adversely affect protein function. For these reasons, this variant has been classified as Pathogenic.

Laboratory of Molecular Genetics and Genomics, Rennes University Hospital
Classification: Likely pathogenic for Hemochromatosis type 4. Last evaluated: 2020-07-01. Review status: no assertion criteria provided. Criteria: ACMG Guidelines, 2015. Collection method: clinical testing. Allele origin: germline. Affected: yes. Not counted in ClinVar's aggregate classification.

OMIM
Classification: Pathogenic for HEMOCHROMATOSIS, TYPE 4. Last evaluated: 2005-12-01. Review status: no assertion criteria provided. Collection method: literature only. Allele origin: germline. Not counted in ClinVar's aggregate classification.

Literature cited by the submitters: PubMed 16351644 (cited by Labcorp Genetics (formerly Invitae), Labcorp and OMIM).

NM_014585.6(SLC40A1):c.800G>A (p.Gly267Asp)

Gene: SLC40A1 (solute carrier family 40 member 1; minus strand). Cytogenetic location: 2q32.2.
Variant type: single nucleotide variant.
Coding change: c.800G>A on transcript NM_014585.6 (MANE Select); coding-DNA position 800, G replaced by A.
Protein change: p.Gly267Asp; replaces glycine 267 with aspartic acid.
Molecular consequence: missense variant.
Genome position (GRCh38, 1-based): chr2:189,564,186, C>T on the plus strand (G>A on the coding strand, the complement: SLC40A1 is on the minus strand). VCF-style: chr2-189564186-C-T. GRCh37 (hg19) VCF-style: chr2-190428912-C-T.
Other names: short protein forms G267D.
Identifiers: ClinVar variation 5418 (VCV000005418.6), dbSNP rs104893664, ClinGen allele CA117529.